The following is an entry in ClinVar:

ClinVar aggregate classification (germline): Conflicting classifications of pathogenicity. Review status: criteria provided, conflicting classifications (1 of 4 stars). 2 submissions from 2 submitters: Uncertain significance (1); Likely benign (1). Last evaluated 2023-03-23.

Conditions:
Hereditary cancer-predisposing syndrome. Also called: Neoplastic Syndromes, Hereditary; Tumor predisposition; Hereditary Cancer Syndrome; Hereditary neoplastic syndrome. Identifiers: Orphanet 140162, MedGen C0027672, MeSH D009386, MONDO:0015356.
Hereditary breast ovarian cancer syndrome. Also called: Hereditary breast and ovarian cancer syndrome; Hereditary breast and ovarian cancer syndrome (HBOC); Breast and ovarian cancer; Hereditary breast and/or ovarian cancer syndrome; Hereditary breast and ovarian cancer; BRCA1- and BRCA2-Associated Hereditary Breast and Ovarian Cancer. Identifiers: Orphanet 145, MedGen C0677776, MeSH D061325, MONDO:0003582. Disease mechanism: loss of function.

Submissions (2):

University of Washington Department of Laboratory Medicine, University of Washington
Classification: Likely benign for Hereditary cancer-predisposing syndrome. Last evaluated: 2023-03-23. Review status: criteria provided, single submitter. Criteria: Dines et al. (Genet Med. 2020). Collection method: curation. Allele origin: germline.
Comment: Missense variant in a coldspot region where missense variants are very unlikely to be pathogenic (PMID:31911673).

BRCA2 exon 11 coldspot. Reclassification based on statistical prior probability.

Labcorp Genetics (formerly Invitae), Labcorp
Classification: Uncertain significance for Hereditary breast ovarian cancer syndrome. Last evaluated: 2022-07-29. Review status: criteria provided, single submitter. Criteria: Invitae Variant Classification Sherloc (09022015). Collection method: clinical testing. Allele origin: germline.
Comment: Algorithms developed to predict the effect of missense changes on protein structure and function are either unavailable or do not agree on the potential impact of this missense change (SIFT: "Not Available"; PolyPhen-2: "Benign"; Align-GVGD: "Not Available"). In summary, the available evidence is currently insufficient to determine the role of this variant in disease. Therefore, it has been classified as a Variant of Uncertain Significance. This variant has not been reported in the literature in individuals affected with BRCA2-related conditions. Information on the frequency of this variant in the gnomAD database is not available, as this variant may be reported differently in the database. This sequence change replaces valine, which is neutral and non-polar, with glycine, which is neutral and non-polar, at codon 2171 of the BRCA2 protein (p.Val2171Gly).

NM_000059.4(BRCA2):c.6512_6513delinsGC (p.Val2171Gly)

Gene: BRCA2 (BRCA2 DNA repair associated; plus strand). Cytogenetic location: 13q13.1.
Variant type: Indel.
Coding change: c.6512_6513delinsGC on transcript NM_000059.4 (MANE Select); coding-DNA positions 6512 to 6513, TG replaced by GC.
Protein change: p.Val2171Gly; replaces valine 2171 with glycine.
Molecular consequence: missense variant.
Genome position (GRCh38, 1-based): chr13:32,340,867-32,340,868, TG replaced by GC. VCF-style: chr13-32340867-TG-GC. GRCh37 (hg19) VCF-style: chr13-32915004-TG-GC.
Other names: c.6512_6513delTGinsGC, p.Val2171Gly (NM_001406719.1, NM_001406720.1); short protein forms V2171G.
Identifiers: ClinVar variation 1714285 (VCV001714285.7), dbSNP rs2548533503, ClinGen allele CA2580087920.
Genomic context (GRCh38, chr13:32,340,867, plus strand): 5'-TTTCTCCATATCTCTCTCAATTTCAACAAGACAAACAACAGTTGGTATTAGGAACCAAAG[TG>GC]TCACTTGTTGAGAACATTCATGTTTTGGGAAAAGAACAGGCTTCACCTAAAAACGTAAAA-3'
Protein context (NP_000050.3, residues 2161-2181): DKQQLVLGTK[Val2171Gly]SLVENIHVLG